The following is an entry in ClinVar:

ClinVar aggregate classification (germline): Uncertain significance (1 of 4 stars; one submission).

Conditions:
Cardiovascular phenotype. Identifiers: MedGen CN230736.

Submission:

Ambry Genetics
Classification: Uncertain significance for Cardiovascular phenotype. Last evaluated: 2023-09-23. Review status: criteria provided, single submitter. Criteria: Ambry Variant Classification Scheme 2023. Collection method: clinical testing. Allele origin: germline.
Comment: The p.Q300H variant (also known as c.900G>C), located in coding exon 2 of the RBM20 gene, results from a G to C substitution at nucleotide position 900. The glutamine at codon 300 is replaced by histidine, an amino acid with highly similar properties. This amino acid position is conserved. In addition, this alteration is predicted to be tolerated by in silico analysis. Since supporting evidence is limited at this time, the clinical significance of this alteration remains unclear.

NM_001134363.3(RBM20):c.900G>C (p.Gln300His)

Gene: RBM20 (RNA binding motif protein 20; plus strand). Cytogenetic location: 10q25.2.
Variant type: single nucleotide variant.
Coding change: c.900G>C on transcript NM_001134363.3 (MANE Select); coding-DNA position 900, G replaced by C.
Protein change: p.Gln300His; replaces glutamine 300 with histidine.
Molecular consequence: missense variant.
Genome position (GRCh38, 1-based): chr10:110,781,509, G>C. VCF-style: chr10-110781509-G-C. GRCh37 (hg19) VCF-style: chr10-112541267-G-C.
Other names: short protein forms Q300H.
Identifiers: ClinVar variation 3233222 (VCV003233222.1), dbSNP rs773932789, ClinGen allele CA378384356.